The following is an entry in ClinVar:

NM_004429.5(EFNB1):c.561del (p.Asn187fs)

Gene: EFNB1 (ephrin B1; plus strand). Cytogenetic location: Xq13.1.
Variant type: Deletion.
Coding change: c.561del on transcript NM_004429.5 (MANE Select); coding-DNA position 561, one base deleted (C; older notation c.561delC).
Protein change: p.Asn187fs; shifts the reading frame from asparagine 187.
Molecular consequence: frameshift variant.
Genome position (GRCh38, 1-based): chrX:68,840,021, C deleted. VCF-style (leftmost placement, unchanged base first): chrX-68840020-AC-A. GRCh37 (hg19) VCF-style: chrX-68059863-AC-A.
Other names: c.561delC (NM_004429.4); short protein forms N187fs.
Identifiers: ClinVar variation 374806 (VCV000374806.2), dbSNP rs1057519035, ClinGen allele CA16043925.

ClinVar aggregate classification (germline): Pathogenic (1 of 4 stars; one submission).

Conditions:
Craniofrontonasal syndrome (CFNS). Also called: CRANIOFRONTONASAL DYSOSTOSIS. Identifiers: Orphanet 1520, MedGen C0220767, MONDO:0010570, OMIM 304110.

Submission:

Genomic Diagnostic Laboratory, Division of Genomic Diagnostics, Children's Hospital of Philadelphia
Classification: Pathogenic for Craniofrontonasal dysplasia. Last evaluated: 2016-09-17. Review status: criteria provided, single submitter. Criteria: DGD Variant Analysis Guidelines. Collection method: clinical testing. Allele origin: germline. Affected: yes. Observed: 1 variant allele.
Comment: Clinical Testing